The following is an entry in ClinVar:

NM_001160224.2(RNF170):c.520C>T (p.His174Tyr)

Gene: RNF170 (ring finger protein 170; minus strand). Cytogenetic location: 8p11.21.
Variant type: single nucleotide variant.
Coding change: c.520C>T on transcript NM_001160224.2; coding-DNA position 520, C replaced by T.
Protein change: p.His174Tyr; replaces histidine 174 with tyrosine.
Molecular consequence: missense variant.
Genome position (GRCh38, 1-based): chr8:42,850,874, G>A on the plus strand (C>T on the coding strand, the complement: RNF170 is on the minus strand). VCF-style: chr8-42850874-G-A. GRCh37 (hg19) VCF-style: chr8-42706017-G-A.
Other names: short protein forms H174Y.
Identifiers: ClinVar variation 1027753 (VCV001027753.3), dbSNP rs1356237092, ClinGen allele CA371110231.

ClinVar aggregate classification (germline): Uncertain significance (1 of 4 stars; one submission).

Conditions:
Autosomal dominant sensory ataxia 1. Identifiers: MedGen C1837015, MONDO:0012166, OMIM 608984.

Allele frequency attached by ClinVar (database versions not stated): TOPMed 0.00001; gnomAD exomes below 0.00001.
gnomAD v4.1: 3 of 1,551,672 alleles (0.00019%); highest among the groups gnomAD compares: African/African-American, 0.0027%; no homozygotes.

Submission:

Baylor Genetics
Classification: Uncertain significance for Autosomal dominant sensory ataxia 1. Last evaluated: 2020-06-19. Review status: criteria provided, single submitter. Criteria: ACMG Guidelines, 2015. Collection method: clinical testing. Allele origin: unknown. Affected: yes.
Comment: This variant was determined to be of uncertain significance according to ACMG Guidelines, 2015 [PMID:25741868].